The following is an entry in ClinVar:

ClinVar aggregate classification (germline): Uncertain significance (1 of 4 stars; one submission).

Conditions:
Aortic aneurysm, familial thoracic 8 (AAT8). Identifiers: MedGen C3809513, MONDO:0014187, OMIM 615436.

Submission:

Labcorp Genetics (formerly Invitae), Labcorp
Classification: Uncertain significance for Aortic aneurysm, familial thoracic 8. Last evaluated: 2018-05-14. Review status: criteria provided, single submitter. Criteria: Invitae Variant Classification Sherloc (09022015). Collection method: clinical testing. Allele origin: germline.
Comment: In summary, the available evidence is currently insufficient to determine the role of this variant in disease. Therefore, it has been classified as a Variant of Uncertain Significance. Algorithms developed to predict the effect of missense changes on protein structure and function (SIFT, PolyPhen-2, Align-GVGD) all suggest that this variant is likely to be tolerated, but these predictions have not been confirmed by published functional studies and their clinical significance is uncertain. This variant has not been reported in the literature in individuals with PRKG1-related disease. This variant is not present in population databases (ExAC no frequency). This sequence change replaces glutamic acid with aspartic acid at codon 355 of the PRKG1 protein (p.Glu355Asp). The glutamic acid residue is moderately conserved and there is a small physicochemical difference between glutamic acid and aspartic acid.

NM_006258.4(PRKG1):c.1065A>C (p.Glu355Asp)

Gene: PRKG1 (protein kinase cGMP-dependent 1; plus strand). Cytogenetic location: 10q21.1.
Variant type: single nucleotide variant.
Coding change: c.1065A>C on transcript NM_006258.4 (MANE Select); coding-DNA position 1065, A replaced by C.
Protein change: p.Glu355Asp; replaces glutamic acid 355 with aspartic acid.
Molecular consequence: missense variant.
Genome position (GRCh38, 1-based): chr10:52,161,952, A>C. VCF-style: chr10-52161952-A-C. GRCh37 (hg19) VCF-style: chr10-53921712-A-C.
Other names: c.1020A>C, p.Glu340Asp (LRG_1135t2, NM_001098512.3); c.1065A>C, p.Glu355Asp (LRG_1135t1); short protein forms E340D, E355D.
Identifiers: ClinVar variation 571873 (VCV000571873.8), dbSNP rs1564496116, ClinGen allele CA376534577.